The following is an entry in ClinVar:

ClinVar aggregate classification (germline): Conflicting classifications of pathogenicity. Review status: criteria provided, conflicting classifications (1 of 4 stars). 3 submissions from 3 submitters: Likely pathogenic (1); Uncertain significance (2). Last evaluated 2026-05-21.

Allele frequency attached by ClinVar (database versions not stated): ExAC 0.00002; gnomAD 0.00002; TOPMed 0.00002; gnomAD exomes 0.00001.
gnomAD v4.1: 22 of 1,613,892 alleles (0.0014%); highest among the groups gnomAD compares: Non-Finnish European, 0.0019%; no homozygotes.

Submissions (3):

Women's Health and Genetics/Laboratory Corporation of America, LabCorp
Classification: Uncertain significance. Last evaluated: 2026-05-21. Review status: criteria provided, single submitter. Criteria: LabCorp Variant Classification Summary - May 2015. Collection method: clinical testing. Allele origin: germline.
Comment: Variant summary: EARS2 c.1394T>C (p.Leu465Pro) results in a non-conservative amino acid change in the encoded protein sequence. Algorithms developed to predict the effect of missense changes on protein structure and function are either unavailable or do not agree on the potential impact of this missense change. The variant allele was found at a frequency of 1.2e-05 in 249466 control chromosomes. c.1394T>C has been observed in individual(s) affected with leukoencephalopathy with thalamus and brainstem involvement and high lactate as a compound heterozygous genotype (e.g. Sellars_2017). These data do not allow any conclusion about variant significance. To our knowledge, no experimental evidence demonstrating an impact on protein function has been reported. Internally validated machine learning-based Evidence Modeling of protein sequence and biophysical properties (such as structural, functional, and spatial information, amino acid conservation, physicochemical variation, residue mobility, and thermodynamic stability) indicates that this missense variant is expected to disrupt protein function with a positive predictive value of at least 95%. The following publication has been ascertained in the context of this evaluation (PMID: 27875839). ClinVar contains an entry for this variant (Variation ID: 1303708). Based on the evidence outlined above, the variant was classified as VUS-possibly pathogenic.

Labcorp Genetics (formerly Invitae), Labcorp
Classification: Likely pathogenic. Last evaluated: 2024-11-11. Review status: criteria provided, single submitter. Criteria: Invitae Variant Classification Sherloc (09022015). Collection method: clinical testing. Allele origin: germline.
Comment: This sequence change replaces leucine, which is neutral and non-polar, with proline, which is neutral and non-polar, at codon 465 of the EARS2 protein (p.Leu465Pro). This variant is present in population databases (rs759857078, gnomAD 0.003%). This missense change has been observed in individual(s) with clinical features of leukoencephalopathy with thalamus and brainstem involvement and high lactate (PMID: 27875839). In at least one individual the data is consistent with being in trans (on the opposite chromosome) from a pathogenic variant. ClinVar contains an entry for this variant (Variation ID: 1303708). Invitae Evidence Modeling of protein sequence and biophysical properties (such as structural, functional, and spatial information, amino acid conservation, physicochemical variation, residue mobility, and thermodynamic stability) indicates that this missense variant is expected to disrupt EARS2 protein function with a positive predictive value of 95%. In summary, the currently available evidence indicates that the variant is pathogenic, but additional data are needed to prove that conclusively. Therefore, this variant has been classified as Likely Pathogenic.

GeneDx
Classification: Uncertain significance. Last evaluated: 2019-07-12. Review status: criteria provided, single submitter. Criteria: GeneDx Variant Classification Process June 2021. Collection method: clinical testing. Allele origin: germline. Affected: yes.
Comment: Not observed at a significant frequency in large population cohorts (Lek et al., 2016); In silico analysis, which includes protein predictors and evolutionary conservation, supports a deleterious effect; This variant is associated with the following publications: (PMID: 27875839)

Literature cited by the submitters: PubMed 27875839 (cited by Women's Health and Genetics/Laboratory Corporation of America, LabCorp and Labcorp Genetics (formerly Invitae), Labcorp).

NM_001083614.2(EARS2):c.1394T>C (p.Leu465Pro)

Gene: EARS2 (glutamyl-tRNA synthetase 2, mitochondrial; minus strand). Cytogenetic location: 16p12.2.
Variant type: single nucleotide variant.
Coding change: c.1394T>C on transcript NM_001083614.2 (MANE Select); coding-DNA position 1394, T replaced by C.
Protein change: p.Leu465Pro; replaces leucine 465 with proline.
Molecular consequence: missense variant. On other transcripts: non-coding transcript variant (1).
Genome position (GRCh38, 1-based): chr16:23,525,338, A>G on the plus strand (T>C on the coding strand, the complement: EARS2 is on the minus strand). VCF-style: chr16-23525338-A-G. GRCh37 (hg19) VCF-style: chr16-23536659-A-G.
Other names: c.1394T>C, p.Leu465Pro (NM_001308211.1); short protein forms L465P.
Identifiers: ClinVar variation 1303708 (VCV001303708.8), dbSNP rs759857078, ClinGen allele CA7962299.